The following is an entry in ClinVar:

ClinVar aggregate classification (germline): Conflicting classifications of pathogenicity. Review status: criteria provided, conflicting classifications (1 of 4 stars). 3 submissions from 3 submitters: Likely pathogenic (1); Uncertain significance (2). Last evaluated 2024-11-27.

Conditions:
Charcot-Marie-Tooth disease, demyelinating, IIA 1I. Also called: CHARCOT-MARIE-TOOTH NEUROPATHY, TYPE 1I; Charcot-Marie-Tooth disease, demyelinating, type 1I. Identifiers: MedGen C5676914, MONDO:0030677, OMIM 619742.
Leukodystrophy, hypomyelinating, 7, with or without oligodontia and/or hypogonadotropic hypogonadism (HLD7). Also called: Ataxia, Delayed Dentition and Hypomyelination (ADDH); LEUKODYSTROPHY, HYPOMYELINATING, 7, WITH OLIGODONTIA; LEUKODYSTROPHY, HYPOMYELINATING, 7, WITH OLIGODONTIA AND HYPOGONADOTROPIC HYPOGONADISM; LEUKODYSTROPHY, HYPOMYELINATING, 7, WITHOUT OLIGODONTIA OR HYPOGONADOTROPIC HYPOGONADISM; LEUKOENCEPHALOPATHY, HYPOMYELINATING, WITH ATAXIA AND DELAYED DENTITION; ATAXIA, DELAYED DENTITION, AND HYPOMYELINATION. Identifiers: Orphanet 137639, Orphanet 447893, Orphanet 447896, Orphanet 77295, Orphanet 88637, MedGen CN034185, MONDO:0011897, OMIM 607694.

Submissions (3):

Broad Center for Mendelian Genomics, Broad Institute of MIT and Harvard
Classification: Uncertain significance for Charcot-Marie-Tooth disease, demyelinating, IIA 1I. Last evaluated: 2024-11-27. Review status: criteria provided, single submitter. Criteria: ACMG Guidelines, 2015. Collection method: curation. Allele origin: germline. Inheritance: Autosomal dominant inheritance. Study: GREGoR Consortium.
Comment: Trio exome analysis showed this variant to be de novo. The p.Arg682Lys variant in POLR3B has not been previously reported in the literature in individuals with Charcot-Marie-Tooth disease, and was absent from large population studies. This variant has also been reported in ClinVar (Variation ID: 2441915) and has been interpreted as likely pathogenic by Mendelics and a variant of uncertain significance by GeneDx. Computational prediction tools and conservation analyses suggest that this variant may impact the protein, though this information is not predictive enough to determine pathogenicity. The number of missense variants reported in POLR3B in the general population is lower than expected, suggesting there is little benign variation in this gene and slightly increasing the possibility that a missense variant in this gene may not be tolerated. In summary, while there is some suspicion for a pathogenic role, the clinical significance of this variant is uncertain. ACMG/AMP Criteria applied: PP3_moderate, PS2_supporting, PP2, PM2_supporting (Richards 2015).

Mendelics
Classification: Likely pathogenic for Leukodystrophy, hypomyelinating, 7, with or without oligodontia and/or hypogonadotropic hypogonadism. Last evaluated: 2022-05-04. Review status: criteria provided, single submitter. Criteria: Mendelics Assertion Criteria 2019. Collection method: clinical testing. Allele origin: germline.

GeneDx
Classification: Uncertain significance. Last evaluated: 2022-03-15. Review status: criteria provided, single submitter. Criteria: GeneDx Variant Classification Process June 2021. Collection method: clinical testing. Allele origin: germline. Affected: yes.
Comment: Not observed at significant frequency in large population cohorts (gnomAD); In silico analysis supports that this missense variant has a deleterious effect on protein structure/function; Has not been previously published as pathogenic or benign to our knowledge

NM_018082.6(POLR3B):c.2045G>A (p.Arg682Lys)

Gene: POLR3B (RNA polymerase III subunit B; plus strand). Cytogenetic location: 12q23.3.
Variant type: single nucleotide variant.
Coding change: c.2045G>A on transcript NM_018082.6 (MANE Select); coding-DNA position 2045, G replaced by A.
Protein change: p.Arg682Lys; replaces arginine 682 with lysine.
Molecular consequence: missense variant.
Genome position (GRCh38, 1-based): chr12:106,444,552, G>A. VCF-style: chr12-106444552-G-A. GRCh37 (hg19) VCF-style: chr12-106838330-G-A.
Other names: NM_018082.6(POLR3B):c.2045G>A; p.Arg682Lys; c.1871G>A, p.Arg624Lys (NM_001160708.2); short protein forms R624K, R682K.
Identifiers: ClinVar variation 1685410 (VCV001685410.3), dbSNP rs2137017154, ClinGen allele CA386391329.